The following is an entry in ClinVar:

NM_001077653.2(TBX20):c.83G>A (p.Gly28Asp)

Gene: TBX20 (T-box transcription factor 20; minus strand). Cytogenetic location: 7p14.2.
Variant type: single nucleotide variant.
Coding change: c.83G>A on transcript NM_001077653.2 (MANE Select); coding-DNA position 83, G replaced by A.
Protein change: p.Gly28Asp; replaces glycine 28 with aspartic acid.
Molecular consequence: missense variant.
Genome position (GRCh38, 1-based): chr7:35,253,538, C>T on the plus strand (G>A on the coding strand, the complement: TBX20 is on the minus strand). VCF-style: chr7-35253538-C-T. GRCh37 (hg19) VCF-style: chr7-35293149-C-T.
Other names: c.83G>A, p.Gly28Asp (NM_001166220.1); short protein forms G28D.
Identifiers: ClinVar variation 2196709 (VCV002196709.4), dbSNP rs2546999434, ClinGen allele CA367265545.

ClinVar aggregate classification (germline): Uncertain significance (1 of 4 stars; one submission).

Submission:

Labcorp Genetics (formerly Invitae), Labcorp
Classification: Uncertain significance. Last evaluated: 2024-10-10. Review status: criteria provided, single submitter. Criteria: Invitae Variant Classification Sherloc (09022015). Collection method: clinical testing. Allele origin: germline.
Comment: This sequence change replaces glycine, which is neutral and non-polar, with aspartic acid, which is acidic and polar, at codon 28 of the TBX20 protein (p.Gly28Asp). This variant is not present in population databases (gnomAD no frequency). This variant has not been reported in the literature in individuals affected with TBX20-related conditions. ClinVar contains an entry for this variant (Variation ID: 2196709). An algorithm developed to predict the effect of missense changes on protein structure and function (PolyPhen-2) suggests that this variant is likely to be tolerated. In summary, the available evidence is currently insufficient to determine the role of this variant in disease. Therefore, it has been classified as a Variant of Uncertain Significance.